The following is an entry in ClinVar:

ClinVar aggregate classification (germline): Likely benign. Review status: criteria provided, multiple submitters, no conflicts (2 of 4 stars). 6 submissions from 6 submitters: Likely benign (6). Last evaluated 2026-01-08.

Conditions:
Cardiovascular phenotype. Identifiers: MedGen CN230736.
Familial hypobetalipoproteinemia 1. Also called: APOB-Related Familial Hypobetalipoproteinemia; Hypobetalipoproteinemia, normotriglyceridemic; Acanthocytosis with hypobetalipoproteinemia. Identifiers: MedGen C4551990, MONDO:0014252, OMIM 615558.
Hypercholesterolemia, autosomal dominant, type B (FHCL2). Also called: Familial Hypercholesterolemia Type B; APOLIPOPROTEIN B-100, FAMILIAL DEFECTIVE; APOLIPOPROTEIN B-100, FAMILIAL LIGAND-DEFECTIVE; HYPERCHOLESTEROLEMIA, FAMILIAL, DUE TO LIGAND-DEFECTIVE APOLIPOPROTEIN B; Hyperlipoproteinemia Type IIb; APOB-Related Familial Hypercholesterolemia, Autosomal Dominant. Identifiers: MedGen C1704417, MONDO:0007751, OMIM 144010.
Familial hypercholesterolemia. Also called: Familial hypercholesterolaemia; Familial hypercholesterolemias. Identifiers: MedGen C0020445, MONDO:0005439.

Allele frequency attached by ClinVar (database versions not stated): gnomAD exomes 0.00004; TOPMed 0.00005; gnomAD 0.00006 and 0.00007; ExAC 0.00007; 1000 Genomes Project 0.00040; 1000 Genomes Project 30x 0.00047.

Submissions (6):

GENinCode PLC
Classification: Likely benign for Familial hypercholesterolemia. Last evaluated: 2026-01-08. Review status: criteria provided, single submitter. Criteria: ACMG Guidelines, 2015. Collection method: clinical testing. Allele origin: germline.
Comment: This is a synonymous (silent) variant that is not predicted to impact splicing and occurs at a nucleotide which is not highly conserved. This variant has been classified as Likely Benign (BP4, BP7).

Quest Diagnostics Nichols Institute San Juan Capistrano
Classification: Likely benign. Last evaluated: 2025-08-21. Review status: criteria provided, single submitter. Criteria: Quest Diagnostics criteria. Collection method: clinical testing. Allele origin: unknown.

Labcorp Genetics (formerly Invitae), Labcorp
Classification: Likely benign for Familial hypobetalipoproteinemia 1; Hypercholesterolemia, autosomal dominant, type B. Last evaluated: 2025-07-25. Review status: criteria provided, single submitter. Criteria: Invitae Variant Classification Sherloc (09022015). Collection method: clinical testing. Allele origin: germline.

Blueprint Genetics
Classification: Likely benign. Last evaluated: 2023-02-03. Review status: criteria provided, single submitter. Criteria: ACMG Guidelines, 2015. Collection method: clinical testing. Allele origin: germline.

Ambry Genetics
Classification: Likely benign for Cardiovascular phenotype. Last evaluated: 2020-08-31. Review status: criteria provided, single submitter. Criteria: Ambry Variant Classification Scheme 2023. Collection method: clinical testing. Allele origin: germline.

GeneDx
Classification: Likely benign. Last evaluated: 2018-04-04. Review status: criteria provided, single submitter. Criteria: GeneDx Variant Classification (06012015). Collection method: clinical testing. Allele origin: germline. Affected: yes.
Comment: This variant is considered likely benign or benign based on one or more of the following criteria: it is a conservative change, it occurs at a poorly conserved position in the protein, it is predicted to be benign by multiple in silico algorithms, and/or has population frequency not consistent with disease.

NM_000384.3(APOB):c.2568C>T (p.Pro856=)

Gene: APOB (apolipoprotein B; minus strand). Cytogenetic location: 2p24.1.
Variant type: single nucleotide variant.
Coding change: c.2568C>T on transcript NM_000384.3 (MANE Select); coding-DNA position 2568, C replaced by T.
Protein change: p.Pro856=; no amino-acid change (proline 856 retained).
Molecular consequence: synonymous variant.
Genome position (GRCh38, 1-based): chr2:21,023,561, G>A on the plus strand (C>T on the coding strand, the complement: APOB is on the minus strand). VCF-style: chr2-21023561-G-A. GRCh37 (hg19) VCF-style: chr2-21246433-G-A.
Identifiers: ClinVar variation 412955 (VCV000412955.19), dbSNP rs184556149, ClinGen allele CA056662.
Genomic context (GRCh38, chr2:21,023,561, plus strand): 5'-ATCAAAAGGCAAACAGAATCTTACGTTGGCTACTTCCAGTTTTACTCCAGCCTTGGCTCC[G>A]GGAGCAATGACTCCAGATGAAGATATTTGCAACTGTAATCCAGCTCCAGTGGGGAGTTCA-3'
Protein context (NP_000375.3, residues 846-866): LQISSSGVIA[Pro856=]GAKAGVKLEV